The following is an entry in ClinVar:

ClinVar aggregate classification (germline): Uncertain significance. Review status: criteria provided, multiple submitters, no conflicts (2 of 4 stars). 2 submissions from 2 submitters: Uncertain significance (2). Last evaluated 2024-11-25.

Conditions:
Inborn genetic diseases. Identifiers: MedGen C0950123, MeSH D030342.
Pulmonary fibrosis and/or bone marrow failure, Telomere-related, 3. Also called: PULMONARY FIBROSIS AND/OR BONE MARROW FAILURE SYNDROME, TELOMERE-RELATED, 3. Identifiers: Orphanet 2032, MedGen C4225346, MONDO:0014613, OMIM 616373.
Dyskeratosis congenita, autosomal recessive 5 (DKCB5). Identifiers: MedGen C3554656, MONDO:0014076, OMIM 615190.

Submissions (2):

Ambry Genetics
Classification: Uncertain significance for Inborn genetic diseases. Last evaluated: 2024-11-25. Review status: criteria provided, single submitter. Criteria: Ambry Variant Classification Scheme 2023. Collection method: clinical testing. Allele origin: germline.
Comment: The p.Q1015R variant (also known as c.3044A>G), located in coding exon 30 of the RTEL1 gene, results from an A to G substitution at nucleotide position 3044. The glutamine at codon 1015 is replaced by arginine, an amino acid with highly similar properties. This amino acid position is conserved. In addition, the in silico prediction for this alteration is inconclusive. Based on the available evidence, the clinical significance of this variant remains unclear.

Labcorp Genetics (formerly Invitae), Labcorp
Classification: Uncertain significance for Dyskeratosis congenita, autosomal recessive 5; Pulmonary fibrosis and/or bone marrow failure, Telomere-related, 3. Last evaluated: 2022-08-08. Review status: criteria provided, single submitter. Criteria: Invitae Variant Classification Sherloc (09022015). Collection method: clinical testing. Allele origin: germline.
Comment: This sequence change replaces glutamine, which is neutral and polar, with arginine, which is basic and polar, at codon 1015 of the RTEL1 protein (p.Gln1015Arg). This variant is not present in population databases (gnomAD no frequency). This variant has not been reported in the literature in individuals affected with RTEL1-related conditions. Algorithms developed to predict the effect of missense changes on protein structure and function are either unavailable or do not agree on the potential impact of this missense change (SIFT: "Deleterious"; PolyPhen-2: "Possibly Damaging"; Align-GVGD: "Class C0"). In summary, the available evidence is currently insufficient to determine the role of this variant in disease. Therefore, it has been classified as a Variant of Uncertain Significance.

NM_001283009.2(RTEL1):c.3044A>G (p.Gln1015Arg)

Genes: RTEL1 (regulator of telomere elongation helicase 1; plus strand), RTEL1-TNFRSF6B (RTEL1-TNFRSF6B readthrough (NMD candidate); plus strand). Cytogenetic location: 20q13.33.
Variant type: single nucleotide variant.
Coding change: c.3044A>G on transcript NM_001283009.2 (MANE Select); coding-DNA position 3044, A replaced by G.
Protein change: p.Gln1015Arg; replaces glutamine 1015 with arginine.
Molecular consequence: missense variant. On other transcripts: non-coding transcript variant (1).
Genome position (GRCh38, 1-based): chr20:63,694,423, A>G. VCF-style: chr20-63694423-A-G. GRCh37 (hg19) VCF-style: chr20-62325776-A-G.
Other names: c.2375A>G, p.Gln792Arg (NM_001283010.1); c.3044A>G, p.Gln1015Arg (NM_016434.4); c.3116A>G, p.Gln1039Arg (NM_032957.5); short protein forms Q1039R, Q792R, Q1015R.
Identifiers: ClinVar variation 2167394 (VCV002167394.2), dbSNP rs2517193698, ClinGen allele CA409684494.